The following is an entry in ClinVar:

ClinVar aggregate classification (germline): Pathogenic (1 of 4 stars; one submission).

Submission:

Labcorp Genetics (formerly Invitae), Labcorp
Classification: Pathogenic. Last evaluated: 2022-08-23. Review status: criteria provided, single submitter. Criteria: Invitae Variant Classification Sherloc (09022015). Collection method: clinical testing. Allele origin: germline.
Comment: For these reasons, this variant has been classified as Pathogenic. ClinVar contains an entry for this variant (Variation ID: 1459023). This variant has not been reported in the literature in individuals affected with HSPG2-related conditions. This variant is not present in population databases (gnomAD no frequency). This sequence change creates a premature translational stop signal (p.Glu621*) in the HSPG2 gene. It is expected to result in an absent or disrupted protein product. Loss-of-function variants in HSPG2 are known to be pathogenic (PMID: 11279527, 16927315, 20542149, 23836246).

Literature cited by the submitters: PubMed 11279527; PubMed 16927315; PubMed 20542149; PubMed 23836246.

NM_005529.7(HSPG2):c.1861G>T (p.Glu621Ter)

Gene: HSPG2 (heparan sulfate proteoglycan 2; minus strand). Cytogenetic location: 1p36.12.
Variant type: single nucleotide variant.
Coding change: c.1861G>T on transcript NM_005529.7 (MANE Select); coding-DNA position 1861, G replaced by T.
Protein change: p.Glu621Ter; replaces glutamic acid 621 with a stop codon.
Molecular consequence: nonsense.
Genome position (GRCh38, 1-based): chr1:21,880,793, C>A on the plus strand (G>T on the coding strand, the complement: HSPG2 is on the minus strand). VCF-style: chr1-21880793-C-A. GRCh37 (hg19) VCF-style: chr1-22207286-C-A.
Other names: c.1864G>T, p.Glu622Ter (NM_001291860.2); short protein forms E622*, E621*.
Identifiers: ClinVar variation 1459023 (VCV001459023.6), dbSNP rs1310509066, ClinGen allele CA338966100.